The following is an entry in ClinVar:

ClinVar aggregate classification (germline): Uncertain significance (1 of 4 stars; one submission).

gnomAD v4.1: 1 of 1,613,828 alleles (0.000062%); highest among the groups gnomAD compares: Non-Finnish European, 0.000085%; no homozygotes.

Submission:

GeneDx
Classification: Uncertain significance. Last evaluated: 2023-06-20. Review status: criteria provided, single submitter. Criteria: GeneDx Variant Classification Process June 2021. Collection method: clinical testing. Allele origin: germline. Affected: yes.
Comment: Not observed at significant frequency in large population cohorts (gnomAD); In silico analysis supports that this missense variant has a deleterious effect on protein structure/function; Has not been previously published as pathogenic or benign to our knowledge; Variants in candidate genes are classified as variants of uncertain significance in accordance with ACMG guidelines (Richards et al., 2015)

NM_015030.2(FRYL):c.1615A>G (p.Asn539Asp)

Gene: FRYL (FRY like transcription coactivator; minus strand). Cytogenetic location: 4p11.
Variant type: single nucleotide variant.
Coding change: c.1615A>G on transcript NM_015030.2 (MANE Select); coding-DNA position 1615, A replaced by G.
Protein change: p.Asn539Asp; replaces asparagine 539 with aspartic acid.
Molecular consequence: missense variant.
Genome position (GRCh38, 1-based): chr4:48,589,770, T>C on the plus strand (A>G on the coding strand, the complement: FRYL is on the minus strand). VCF-style: chr4-48589770-T-C. GRCh37 (hg19) VCF-style: chr4-48591787-T-C.
Other names: short protein forms N539D.
Identifiers: ClinVar variation 3360117 (VCV003360117.1).